The following is an entry in ClinVar:

NM_001035.3(RYR2):c.1198G>A (p.Asp400Asn)

Gene: RYR2 (ryanodine receptor 2; plus strand). Cytogenetic location: 1q43.
Variant type: single nucleotide variant.
Coding change: c.1198G>A on transcript NM_001035.3 (MANE Select); coding-DNA position 1198, G replaced by A.
Protein change: p.Asp400Asn; replaces aspartic acid 400 with asparagine.
Molecular consequence: missense variant.
Genome position (GRCh38, 1-based): chr1:237,445,428, G>A. VCF-style: chr1-237445428-G-A. GRCh37 (hg19) VCF-style: chr1-237608728-G-A.
Other names: c.1198G>A, p.Asp400Asn (LRG_402t1); short protein forms D400N.
Identifiers: ClinVar variation 463549 (VCV000463549.10), dbSNP rs1553454821, ClinGen allele CA345377490.

ClinVar aggregate classification (germline): Pathogenic (1 of 4 stars; one submission).

Conditions:
Catecholaminergic polymorphic ventricular tachycardia 1. Also called: VENTRICULAR TACHYCARDIA, STRESS-INDUCED POLYMORPHIC 1; VENTRICULAR TACHYCARDIA, CATECHOLAMINERGIC POLYMORPHIC, 1, WITH OR WITHOUT ATRIAL DYSFUNCTION AND/OR DILATED CARDIOMYOPATHY; RYR2-Related Catecholaminergic Polymorphic Ventricular Tachycardia. Identifiers: Orphanet 3286, MedGen C1631597, MONDO:0011484, OMIM 604772.

Submission:

Labcorp Genetics (formerly Invitae), Labcorp
Classification: Pathogenic for Catecholaminergic polymorphic ventricular tachycardia 1. Last evaluated: 2023-10-03. Review status: criteria provided, single submitter. Criteria: Invitae Variant Classification Sherloc (09022015). Collection method: clinical testing. Allele origin: germline.
Comment: This sequence change replaces aspartic acid, which is acidic and polar, with asparagine, which is neutral and polar, at codon 400 of the RYR2 protein (p.Asp400Asn). This variant is not present in population databases (gnomAD no frequency). This missense change has been observed in individual(s) with catecholaminergic polymorphic ventricular tachycardia (Invitae). In at least one individual the variant was observed to be de novo. ClinVar contains an entry for this variant (Variation ID: 463549). Advanced modeling of protein sequence and biophysical properties (such as structural, functional, and spatial information, amino acid conservation, physicochemical variation, residue mobility, and thermodynamic stability) performed at Invitae indicates that this missense variant is expected to disrupt RYR2 protein function. For these reasons, this variant has been classified as Pathogenic.